The following is an entry in ClinVar:

ClinVar aggregate classification (germline): Uncertain significance (1 of 4 stars; one submission).

Submission:

Labcorp Genetics (formerly Invitae), Labcorp
Classification: Uncertain significance. Last evaluated: 2022-11-10. Review status: criteria provided, single submitter. Criteria: Invitae Variant Classification Sherloc (09022015). Collection method: clinical testing. Allele origin: germline.
Comment: This sequence change replaces leucine, which is neutral and non-polar, with proline, which is neutral and non-polar, at codon 523 of the KCNH1 protein (p.Leu523Pro). This variant is not present in population databases (gnomAD no frequency). This variant has not been reported in the literature in individuals affected with KCNH1-related conditions. Advanced modeling of protein sequence and biophysical properties (such as structural, functional, and spatial information, amino acid conservation, physicochemical variation, residue mobility, and thermodynamic stability) performed at Invitae indicates that this missense variant is expected to disrupt KCNH1 protein function. In summary, the available evidence is currently insufficient to determine the role of this variant in disease. Therefore, it has been classified as a Variant of Uncertain Significance.

NM_172362.3(KCNH1):c.1568T>C (p.Leu523Pro)

Gene: KCNH1 (potassium voltage-gated channel subfamily H member 1; minus strand). Cytogenetic location: 1q32.2.
Variant type: single nucleotide variant.
Coding change: c.1568T>C on transcript NM_172362.3 (MANE Select); coding-DNA position 1568, T replaced by C.
Protein change: p.Leu523Pro; replaces leucine 523 with proline.
Molecular consequence: missense variant.
Genome position (GRCh38, 1-based): chr1:210,804,061, A>G on the plus strand (T>C on the coding strand, the complement: KCNH1 is on the minus strand). VCF-style: chr1-210804061-A-G. GRCh37 (hg19) VCF-style: chr1-210977403-A-G.
Other names: c.1487T>C, p.Leu496Pro (NM_002238.4); short protein forms L496P, L523P.
Identifiers: ClinVar variation 2813506 (VCV002813506.3), dbSNP rs2526826470, ClinGen allele CA344874368.